The following is an entry in ClinVar:

ClinVar aggregate classification (germline): Uncertain significance (0 of 4 stars; one submission).

Conditions:
SEMA3C-related disorder. Also called: SEMA3C-related condition.

Submission:

PreventionGenetics, part of Exact Sciences
Classification: Uncertain significance for SEMA3C-related condition. Last evaluated: 2024-05-10. Review status: no assertion criteria provided. Collection method: clinical testing. Allele origin: germline.
Comment: The SEMA3C c.694A>G variant is predicted to result in the amino acid substitution p.Asn232Asp. To our knowledge, this variant has not been reported in the literature or in a large population database, indicating this variant is rare. At this time, the clinical significance of this variant is uncertain due to the absence of conclusive functional and genetic evidence.

NM_006379.5(SEMA3C):c.640A>G (p.Asn214Asp)

Gene: SEMA3C (semaphorin 3C; minus strand). Cytogenetic location: 7q21.11.
Variant type: single nucleotide variant.
Coding change: c.640A>G on transcript NM_006379.5 (MANE Select); coding-DNA position 640, A replaced by G.
Protein change: p.Asn214Asp; replaces asparagine 214 with aspartic acid.
Molecular consequence: missense variant.
Genome position (GRCh38, 1-based): chr7:80,805,657, T>C on the plus strand (A>G on the coding strand, the complement: SEMA3C is on the minus strand). VCF-style: chr7-80805657-T-C. GRCh37 (hg19) VCF-style: chr7-80434973-T-C.
Other names: c.694A>G, p.Asn232Asp (NM_001350120.2); c.466A>G, p.Asn156Asp (NM_001350121.2); short protein forms N156D, N214D, N232D.
Identifiers: ClinVar variation 3344366 (VCV003344366.1).